The following is an entry in ClinVar:

NM_007294.4(BRCA1):c.2612C>G (p.Pro871Arg)

Gene: BRCA1 (BRCA1 DNA repair associated; minus strand). Cytogenetic location: 17q21.31.
Variant type: single nucleotide variant.
Coding change: c.2612C>G on transcript NM_007294.4 (MANE Select); coding-DNA position 2612, C replaced by G.
Protein change: p.Pro871Arg; replaces proline 871 with arginine.
Molecular consequence: missense variant. On other transcripts: intron variant (137).
Genome position (GRCh38, 1-based): chr17:43,092,919, G>C on the plus strand (C>G on the coding strand, the complement: BRCA1 is on the minus strand). VCF-style: chr17-43092919-G-C. GRCh37 (hg19) VCF-style: chr17-41244936-G-C.
Other names: 2731C>G; c.2486C>G, p.Pro829Arg (NM_001407673.1, NM_001407691.1, NM_001407672.1 and 11 more transcripts); c.2489C>G, p.Pro830Arg (NM_001407674.1, NM_001407675.1, NM_001407676.1 and 19 more transcripts); c.2471C>G, p.Pro824Arg (NM_001407692.1, NM_001407694.1, NM_001407695.1 and 29 more transcripts); c.2468C>G, p.Pro823Arg (NM_001407740.1, NM_001407741.1, NM_001407742.1 and 20 more transcripts); c.2408C>G, p.Pro803Arg (NM_001407874.1, NM_001407875.1); c.2402C>G, p.Pro801Arg (NM_001407879.1, NM_001407881.1, NM_001407882.1 and 13 more transcripts); c.2399C>G, p.Pro800Arg (NM_001407915.1, NM_001407916.1, NM_001407917.1 and 9 more transcripts); and 42 more; short protein forms P871R, P824R, P703R, P782R, P804R, P823R, P829R, P800R.
Identifiers: ClinVar variation 91594 (VCV000091594.40), dbSNP rs799917, ClinGen allele CA001719.
Genomic context (GRCh38, chr17:43,092,919, plus strand): 5'-GACCCAGAGTGGGCAGAGAATGTTGCACATTCCTCTTCTGCATTTCCTGGATTTGAAAAC[G>C]GAGCAAATGACTGGCGCTTTGAAACCTTGAATGTATTCTGCAAATACTGAGCATCAAGTT-3'
Protein context (NP_009225.1, residues 861-881): FKVSKRQSFA[Pro871Arg]FSNPGNAEEE

ClinVar aggregate classification (germline): Conflicting classifications of pathogenicity. Review status: criteria provided, conflicting classifications (1 of 4 stars). 9 submissions from 9 submitters: Uncertain significance (4); Likely benign (4). 1 of the submissions does not count toward it. Last evaluated 2026-01-14.

Conditions:
Hereditary cancer-predisposing syndrome. Also called: Hereditary Cancer Syndrome; Hereditary neoplastic syndrome; Neoplastic Syndromes, Hereditary; Tumor predisposition. Identifiers: Orphanet 140162, MedGen C0027672, MeSH D009386, MONDO:0015356.
Hereditary breast ovarian cancer syndrome. Also called: BRCA1- and BRCA2-Associated Hereditary Breast and Ovarian Cancer; Hereditary breast and ovarian cancer syndrome; Hereditary breast and ovarian cancer syndrome (HBOC); Breast and ovarian cancer; Hereditary breast and/or ovarian cancer syndrome; Hereditary breast and ovarian cancer. Identifiers: Orphanet 145, MedGen C0677776, MeSH D061325, MONDO:0003582. Disease mechanism: loss of function.
Breast-ovarian cancer, familial, susceptibility to, 1 (BROVCA1). Also called: BRCA1 Hereditary Breast and Ovarian Cancer; OVARIAN CANCER, SUSCEPTIBILITY TO. Identifiers: Orphanet 145, MedGen C2676676, MONDO:0011450, OMIM 604370. Disease mechanism: loss of function.

gnomAD v4.1: 6 of 1,613,424 alleles (0.00037%); highest among the groups gnomAD compares: Admixed American, 0.01%; no homozygotes.

Submissions (9):

Labcorp Genetics (formerly Invitae), Labcorp
Classification: Likely benign for Hereditary breast ovarian cancer syndrome. Last evaluated: 2026-01-14. Review status: criteria provided, single submitter. Criteria: Invitae Variant Classification Sherloc (09022015). Collection method: clinical testing. Allele origin: germline.

Color Diagnostics, LLC DBA Color Health
Classification: Likely benign for Hereditary cancer-predisposing syndrome. Last evaluated: 2025-08-27. Review status: criteria provided, single submitter. Criteria: ACMG Guidelines, 2015. Collection method: clinical testing. Allele origin: germline.

Quest Diagnostics Nichols Institute San Juan Capistrano
Classification: Uncertain significance. Last evaluated: 2025-05-07. Review status: criteria provided, single submitter. Criteria: Quest Diagnostics criteria. Collection method: clinical testing. Allele origin: unknown.
Comment: The BRCA2 c.2612C>G (p.Pro871Arg) variant has been reported in an individual with breast cancer (PMID: 29963112 (2018)). It has also been reported to be located in region of the BRCA1 gene that is tolerant to missense sequence changes (PMID: 31911673 (2020)). The frequency of this variant in the general population (Genome Aggregation Database) is uninformative in the assessment of its pathogenicity. Analysis of this variant using bioinformatics tools for the prediction of the effect of amino acid changes on protein structure and function yielded predictions that this variant is benign. Based on the available information, we are unable to determine the clinical significance of this variant.

Women's Health and Genetics/Laboratory Corporation of America, LabCorp
Classification: Uncertain significance. Last evaluated: 2025-02-21. Review status: criteria provided, single submitter. Criteria: LabCorp Variant Classification Summary - May 2015. Collection method: clinical testing. Allele origin: germline.
Comment: Variant summary: BRCA1 c.2612C>G (p.Pro871Arg) results in a non-conservative amino acid change in the encoded protein sequence. Three of five in-silico tools predict a benign effect of the variant on protein function. The variant allele was found at a frequency of 1.6e-05 in 251034 control chromosomes. The available data on variant occurrences in the general population are insufficient to allow any conclusion about variant significance. c.2612C>G has been reported in the literature in individuals affected with breast cancer (example: Sirisena_2018, Cecener_2020). These report(s) do not provide unequivocal conclusions about association of the variant with Hereditary Breast And Ovarian Cancer Syndrome. To our knowledge, no experimental evidence demonstrating an impact on protein function has been reported. The following publications have been ascertained in the context of this evaluation (PMID: 31706072, 29963112). ClinVar contains an entry for this variant (Variation ID: 91594). Based on the evidence outlined above, the variant was classified as uncertain significance.

Ambry Genetics
Classification: Uncertain significance for Hereditary cancer-predisposing syndrome. Last evaluated: 2025-02-07. Review status: criteria provided, single submitter. Criteria: Ambry Variant Classification Scheme 2023. Collection method: clinical testing. Allele origin: germline.
Comment: The p.P871R variant (also known as c.2612C>G), located in coding exon 9 of the BRCA1 gene, results from a C to G substitution at nucleotide position 2612. The proline at codon 871 is replaced by arginine, an amino acid with dissimilar properties. This amino acid position is poorly conserved in available vertebrate species. In addition, this alteration is predicted to be tolerated by in silico analysis. Based on the available evidence, the clinical significance of this variant remains unclear.

All of Us Research Program, National Institutes of Health
Classification: Uncertain significance for Breast-ovarian cancer, familial, susceptibility to, 1. Last evaluated: 2023-12-01. Review status: criteria provided, single submitter. Criteria: ACMG Guidelines, 2015. Collection method: clinical testing. Allele origin: germline. Inheritance: Autosomal dominant inheritance. Observed: 3 variant alleles, 3 heterozygotes.
Comment: This missense variant replaces proline with arginine at codon 871 of the BRCA1 protein. Computational prediction suggests that this variant may not impact protein structure and function (internally defined REVEL score threshold <= 0.5, PMID: 27666373). To our knowledge, functional studies have not been reported for this variant. This variant has not been reported in individuals affected with hereditary cancer in the literature. This variant has been identified in 5/282358 chromosomes in the general population by the Genome Aggregation Database (gnomAD). The available evidence is insufficient to determine the role of this variant in disease conclusively. Therefore, this variant is classified as a Variant of Uncertain Significance.

This study involves interpretation of variants in research participants for the purpose of population health screening. Participant phenotype was not available at the time of variant classification. Additional details can be found in publication PMID: 35346344, PMCID: PMC8962531

University of Washington Department of Laboratory Medicine, University of Washington
Classification: Likely benign for Hereditary cancer-predisposing syndrome. Last evaluated: 2023-03-23. Review status: criteria provided, single submitter. Criteria: Dines et al. (Genet Med. 2020). Collection method: curation. Allele origin: germline.
Comment: Missense variant in a coldspot region where missense variants are very unlikely to be pathogenic (PMID:31911673).

BRCA1 coldspot (exon 11 using historical exon numbering). Reclassification based on statistical prior probability

GeneDx
Classification: Likely benign. Last evaluated: 2019-05-15. Review status: criteria provided, single submitter. Criteria: GeneDx Variant Classification Process June 2021. Collection method: clinical testing. Allele origin: germline. Affected: yes.
Comment: This variant is associated with the following publications: (PMID: 27983536, 25652403, 30541318)

Sharing Clinical Reports Project (SCRP)
Classification: Likely benign for Breast-ovarian cancer, familial 1. Last evaluated: 2009-06-02. Review status: no assertion criteria provided. Collection method: clinical testing. Allele origin: germline. Not counted in ClinVar's aggregate classification.

Literature cited by the submitters: PubMed 25652403 (cited by Quest Diagnostics Nichols Institute San Juan Capistrano); PubMed 31911673 (cited by Quest Diagnostics Nichols Institute San Juan Capistrano); PubMed 27983536 (cited by Quest Diagnostics Nichols Institute San Juan Capistrano and Ambry Genetics); PubMed 29963112 (cited by Quest Diagnostics Nichols Institute San Juan Capistrano and Women's Health and Genetics/Laboratory Corporation of America, LabCorp); PubMed 31706072 (cited by Women's Health and Genetics/Laboratory Corporation of America, LabCorp).